The following is an entry in ClinVar:

NM_001330.5(CTF1):c.*5C>A

Gene: CTF1 (cardiotrophin 1; plus strand). Cytogenetic location: 16p11.2.
Variant type: single nucleotide variant.
Coding change: c.*5C>A on transcript NM_001330.5 (MANE Select); 5 bases downstream of the stop codon, C replaced by A.
Molecular consequence: 3 prime UTR variant. On other transcripts: non-coding transcript variant (1).
Genome position (GRCh38, 1-based): chr16:30,902,544, C>A. VCF-style: chr16-30902544-C-A. GRCh37 (hg19) VCF-style: chr16-30913865-C-A.
Other names: c.*5C>A; c.*5C>A (NM_001142544.3).
Identifiers: ClinVar variation 44171 (VCV000044171.8), dbSNP rs397516644, ClinGen allele CA133712.

ClinVar aggregate classification (germline): Uncertain significance. Review status: criteria provided, multiple submitters, no conflicts (2 of 4 stars). 3 submissions from 3 submitters: Uncertain significance (2). 1 of the submissions does not count toward it. Last evaluated 2016-04-12.

Conditions:
CTF1-related disorder. Also called: CTF1-related condition.
Cardiomyopathy (CMYO). Also called: Cardiomyopathies. Identifiers: Orphanet 167848, MedGen C0878544, MONDO:0004994, HP:0001638. Inheritance: Various modes of inheritance.

Allele frequency attached by ClinVar (database versions not stated): TOPMed 0.00009; gnomAD 0.00013 and 0.00014; gnomAD exomes 0.00018; ExAC 0.00055.
gnomAD v4.1: 186 of 1,499,584 alleles (0.012%); highest among the groups gnomAD compares: Non-Finnish European, 0.013%; no homozygotes.

Submissions (3):

CHEO Genetics Diagnostic Laboratory, Children's Hospital of Eastern Ontario
Classification: Uncertain significance for Cardiomyopathy. Last evaluated: 2016-04-12. Review status: criteria provided, single submitter. Criteria: ACMG Guidelines, 2015. Collection method: clinical testing. Allele origin: germline. Study: Canadian Open Genetics Repository.

Laboratory for Molecular Medicine, Mass General Brigham Personalized Medicine
Classification: Uncertain significance. Last evaluated: 2013-04-05. Review status: criteria provided, single submitter. Criteria: LMM Criteria. Collection method: clinical testing. Allele origin: germline. Observed: 2 variant alleles.
Comment: The *5C>A variant in CTF1 has not been reported in the literature nor previously identified by our laboratory. This variant occurs in the 3' untranslated region (3' UTR) and does not affect the coding sequence of the gene. Additional inform ation is needed to fully assess the clinical significance of this variant.

PreventionGenetics, part of Exact Sciences
Classification: Likely benign for CTF1-related condition. Last evaluated: 2019-06-24. Review status: no assertion criteria provided. Collection method: clinical testing. Allele origin: germline. Not counted in ClinVar's aggregate classification.
Comment: This variant is classified as likely benign based on ACMG/AMP sequence variant interpretation guidelines (Richards et al. 2015 PMID: 25741868, with internal and published modifications).